The following is an entry in ClinVar:

NM_001378454.1(ALMS1):c.3013C>T (p.His1005Tyr)

Gene: ALMS1 (ALMS1 centrosome and basal body associated protein; plus strand). Cytogenetic location: 2p13.1.
Variant type: single nucleotide variant.
Coding change: c.3013C>T on transcript NM_001378454.1 (MANE Select); coding-DNA position 3013, C replaced by T.
Protein change: p.His1005Tyr; replaces histidine 1005 with tyrosine.
Molecular consequence: missense variant.
Genome position (GRCh38, 1-based): chr2:73,449,540, C>T. VCF-style: chr2-73449540-C-T. GRCh37 (hg19) VCF-style: chr2-73676667-C-T.
Other names: c.3016C>T, p.His1006Tyr (NM_015120.4); short protein forms H1006Y, H1005Y.
Identifiers: ClinVar variation 558192 (VCV000558192.6), dbSNP rs1039388814, ClinGen allele CA50392075.

ClinVar aggregate classification (germline): Conflicting classifications of pathogenicity. Review status: criteria provided, conflicting classifications (1 of 4 stars). 5 submissions from 5 submitters: Uncertain significance (3); Likely benign (1). 1 of the submissions does not count toward it. Last evaluated 2026-01-07.

Conditions:
Cardiovascular phenotype. Identifiers: MedGen CN230736.
Alstrom syndrome (ALMS). Identifiers: Orphanet 64, MedGen C0268425, MONDO:0008763, OMIM 203800.

Allele frequency attached by ClinVar (database versions not stated): TOPMed below 0.00001; gnomAD exomes 0.00001.
gnomAD v4.1: 6 of 1,614,044 alleles (0.00037%); highest among the groups gnomAD compares: Non-Finnish European, 0.00051%; no homozygotes.

Submissions (5):

Ambry Genetics
Classification: Likely benign for Cardiovascular phenotype. Last evaluated: 2026-01-07. Review status: criteria provided, single submitter. Criteria: Ambry Variant Classification Scheme 2023. Collection method: clinical testing. Allele origin: germline.

GeneDx
Classification: Uncertain significance. Last evaluated: 2024-05-01. Review status: criteria provided, single submitter. Criteria: GeneDx Variant Classification Process June 2021. Collection method: clinical testing. Allele origin: germline. Affected: yes.
Comment: Not observed at significant frequency in large population cohorts (gnomAD); In silico analysis indicates that this missense variant does not alter protein structure/function; Has not been previously published as pathogenic or benign to our knowledge

Blueprint Genetics
Classification: Uncertain significance. Last evaluated: 2022-06-08. Review status: criteria provided, single submitter. Criteria: ACMG Guidelines, 2015. Collection method: clinical testing. Allele origin: germline.

New York Genome Center
Classification: Uncertain significance for Alstrom syndrome. Last evaluated: 2022-03-18. Review status: criteria provided, single submitter. Criteria: NYGC Assertion Criteria 2020. Collection method: clinical testing. Allele origin: germline. Observed: 1 variant allele.

Counsyl
Classification: Uncertain significance for Alstrom syndrome. Last evaluated: 2018-05-04. Review status: no assertion criteria provided. Collection method: clinical testing. Allele origin: unknown. Not counted in ClinVar's aggregate classification.